The following is an entry in ClinVar:

ClinVar aggregate classification (germline): Uncertain significance. Review status: criteria provided, multiple submitters, no conflicts (2 of 4 stars). 2 submissions from 2 submitters: Uncertain significance (2). Last evaluated 2026-07-02.

Conditions:
Oligodontia-cancer predisposition syndrome. Also called: TOOTH AGENESIS-COLORECTAL CANCER SYNDROME. Identifiers: Orphanet 300576, MedGen C1837750, MONDO:0012075, OMIM 608615. Disease mechanism: loss of function.
Hereditary cancer-predisposing syndrome. Also called: Neoplastic Syndromes, Hereditary; Hereditary Cancer Syndrome; Tumor predisposition; Hereditary neoplastic syndrome. Identifiers: Orphanet 140162, MedGen C0027672, MeSH D009386, MONDO:0015356.

Allele frequency attached by ClinVar (database versions not stated): TOPMed below 0.00001.

Submissions (2):

Ambry Genetics
Classification: Uncertain significance for Hereditary cancer-predisposing syndrome. Last evaluated: 2026-07-02. Review status: criteria provided, single submitter. Criteria: Ambry Variant Classification Scheme 2023. Collection method: clinical testing. Allele origin: germline.
Comment: The p.S260T variant (also known as c.779G>C), located in coding exon 1 of the AXIN2 gene, results from a G to C substitution at nucleotide position 779. The serine at codon 260 is replaced by threonine, an amino acid with similar properties. This amino acid position is conserved. In addition, this alteration is predicted to be tolerated by in silico analysis. Based on the available evidence, the clinical significance of this variant remains unclear.

Labcorp Genetics (formerly Invitae), Labcorp
Classification: Uncertain significance for Oligodontia-cancer predisposition syndrome. Last evaluated: 2024-10-02. Review status: criteria provided, single submitter. Criteria: Invitae Variant Classification Sherloc (09022015). Collection method: clinical testing. Allele origin: germline.
Comment: This sequence change replaces serine, which is neutral and polar, with threonine, which is neutral and polar, at codon 260 of the AXIN2 protein (p.Ser260Thr). This variant is not present in population databases (gnomAD no frequency). This variant has not been reported in the literature in individuals affected with AXIN2-related conditions. ClinVar contains an entry for this variant (Variation ID: 945879). Invitae Evidence Modeling of protein sequence and biophysical properties (such as structural, functional, and spatial information, amino acid conservation, physicochemical variation, residue mobility, and thermodynamic stability) indicates that this missense variant is not expected to disrupt AXIN2 protein function with a negative predictive value of 80%. In summary, the available evidence is currently insufficient to determine the role of this variant in disease. Therefore, it has been classified as a Variant of Uncertain Significance.

NM_004655.4(AXIN2):c.779G>C (p.Ser260Thr)

Gene: AXIN2 (axin 2; minus strand). Cytogenetic location: 17q24.1.
Variant type: single nucleotide variant.
Coding change: c.779G>C on transcript NM_004655.4 (MANE Select); coding-DNA position 779, G replaced by C.
Protein change: p.Ser260Thr; replaces serine 260 with threonine.
Molecular consequence: missense variant.
Genome position (GRCh38, 1-based): chr17:65,557,842, C>G on the plus strand (G>C on the coding strand, the complement: AXIN2 is on the minus strand). VCF-style: chr17-65557842-C-G. GRCh37 (hg19) VCF-style: chr17-63553960-C-G.
Other names: c.779G>C, p.Ser260Thr (NM_001363813.1); short protein forms S260T.
Identifiers: ClinVar variation 945879 (VCV000945879.10), dbSNP rs2044292356, ClinGen allele CA400680290.
Genomic context (GRCh38, chr17:65,557,842, plus strand): 5'-CACCCGCCCCCGTCAAAGTCTTACCTGTATCCACTGTCAACAGTTTCCGTGGACCTCACA[C>G]TCGCCGTGGCCCTCAGAGTTTTGCTGGACAAGCCAACCACGGTTGGCGAAAGTTTGCACT-3'
Protein context (NP_004646.3, residues 250-270): LSSKTLRATA[Ser260Thr]VRSTETVDSG